The following is an entry in ClinVar:

ClinVar aggregate classification (germline): Likely benign. Review status: criteria provided, multiple submitters, no conflicts (2 of 4 stars). 2 submissions from 2 submitters: Likely benign (2). Last evaluated 2026-02-27.

Conditions:
Charcot-Marie-Tooth Neuropathy X. Identifiers: MedGen CN118851.
PRPS1-related disorder. Also called: PRPS1-related condition.

Submissions (2):

PreventionGenetics, part of Exact Sciences
Classification: Likely benign for PRPS1-related condition. Last evaluated: 2026-02-27. Review status: criteria provided, single submitter. Criteria: ACMG Guidelines, 2015. Collection method: clinical testing. Allele origin: germline.
Comment: This variant is classified as likely benign based on ACMG/AMP sequence variant interpretation guidelines (Richards et al. 2015 PMID: 25741868, with internal and published modifications).

Labcorp Genetics (formerly Invitae), Labcorp
Classification: Likely benign for Charcot-Marie-Tooth Neuropathy X. Last evaluated: 2022-05-01. Review status: criteria provided, single submitter. Criteria: Invitae Variant Classification Sherloc (09022015). Collection method: clinical testing. Allele origin: germline.

NM_002764.4(PRPS1):c.639T>C (p.Asp213=)

Gene: PRPS1 (phosphoribosyl pyrophosphate synthetase 1; plus strand). Cytogenetic location: Xq22.3.
Variant type: single nucleotide variant.
Coding change: c.639T>C on transcript NM_002764.4 (MANE Select); coding-DNA position 639, T replaced by C.
Protein change: p.Asp213=; no amino-acid change (aspartic acid 213 retained).
Molecular consequence: synonymous variant.
Genome position (GRCh38, 1-based): chrX:107,645,285, T>C. VCF-style: chrX-107645285-T-C. GRCh37 (hg19) VCF-style: chrX-106888515-T-C.
Other names: c.27T>C, p.Asp9= (NM_001204402.2).
Identifiers: ClinVar variation 1912757 (VCV001912757.6), dbSNP rs2521345969, ClinGen allele CA517921310.
Genomic context (GRCh38, chrX:107,645,285, plus strand): 5'-CAAAGAACGGAAGAAGGCCAATGAAGTGGACCGCATGGTGCTTGTGGGAGATGTGAAGGA[T>C]CGGGTGGCCATCCTTGTGGATGACATGGCTGACACTTGTGGCACAATCTGCCATGCAGCT-3'
Protein context (NP_002755.1, residues 203-223): DRMVLVGDVK[Asp213=]RVAILVDDMA